The following is an entry in ClinVar:

NM_032043.3(BRIP1):c.2929G>T (p.Ala977Ser)

Gene: BRIP1 (BRCA1 interacting DNA helicase 1; minus strand). Cytogenetic location: 17q23.2.
Variant type: single nucleotide variant.
Coding change: c.2929G>T on transcript NM_032043.3 (MANE Select); coding-DNA position 2929, G replaced by T.
Protein change: p.Ala977Ser; replaces alanine 977 with serine.
Molecular consequence: missense variant.
Genome position (GRCh38, 1-based): chr17:61,684,117, C>A on the plus strand (G>T on the coding strand, the complement: BRIP1 is on the minus strand). VCF-style: chr17-61684117-C-A. GRCh37 (hg19) VCF-style: chr17-59761478-C-A.
Other names: short protein forms A977S.
Identifiers: ClinVar variation 565710 (VCV000565710.13), dbSNP rs864622628, ClinGen allele CA400480721.

ClinVar aggregate classification (germline): Uncertain significance. Review status: criteria provided, multiple submitters, no conflicts (2 of 4 stars). 2 submissions from 2 submitters: Uncertain significance (2). Last evaluated 2025-06-07.

Conditions:
Hereditary cancer-predisposing syndrome. Also called: Neoplastic Syndromes, Hereditary; Tumor predisposition; Hereditary Cancer Syndrome; Hereditary neoplastic syndrome. Identifiers: Orphanet 140162, MedGen C0027672, MeSH D009386, MONDO:0015356.
Fanconi anemia complementation group J. Also called: BRIP1-Related Fanconi Anemia. Identifiers: Orphanet 84, MedGen C1836860, MONDO:0012187, OMIM 609054.
Familial cancer of breast. Also called: Hereditary breast cancer; BREAST CANCER, FAMILIAL; hereditary breast carcinoma. Identifiers: Orphanet 227535, MedGen C0346153, MONDO:0016419, OMIM 114480. Disease mechanism: loss of function.

Submissions (2):

Ambry Genetics
Classification: Uncertain significance for Hereditary cancer-predisposing syndrome. Last evaluated: 2025-06-07. Review status: criteria provided, single submitter. Criteria: Ambry Variant Classification Scheme 2023. Collection method: clinical testing. Allele origin: germline.
Comment: The p.A977S variant (also known as c.2929G>T), located in coding exon 19 of the BRIP1 gene, results from a G to T substitution at nucleotide position 2929. The alanine at codon 977 is replaced by serine, an amino acid with similar properties. This amino acid position is conserved. In addition, this alteration is predicted to be tolerated by in silico analysis. Based on the available evidence, the clinical significance of this variant remains unclear.

Labcorp Genetics (formerly Invitae), Labcorp
Classification: Uncertain significance for Familial cancer of breast; Fanconi anemia complementation group J. Last evaluated: 2019-06-06. Review status: criteria provided, single submitter. Criteria: Invitae Variant Classification Sherloc (09022015). Collection method: clinical testing. Allele origin: germline.
Comment: This variant has not been reported in the literature in individuals with BRIP1-related disease. This variant is not present in population databases (ExAC no frequency). This sequence change replaces alanine with serine at codon 977 of the BRIP1 protein (p.Ala977Ser). The alanine residue is weakly conserved and there is a moderate physicochemical difference between alanine and serine. Algorithms developed to predict the effect of missense changes on protein structure and function output the following: SIFT: "Tolerated"; PolyPhen-2: "Benign"; Align-GVGD: "Class C0". The serine amino acid residue is found in multiple mammalian species, suggesting that this missense change does not adversely affect protein function. These predictions have not been confirmed by published functional studies and their clinical significance is uncertain. In summary, the available evidence is currently insufficient to determine the role of this variant in disease. Therefore, it has been classified as a Variant of Uncertain Significance.